The following is an entry in ClinVar:

ClinVar aggregate classification (germline): Uncertain significance (1 of 4 stars; one submission).

Conditions:
Hearing impairment. Also called: Impaired Hearing. Identifiers: MedGen C1384666, MONDO:0005365, HP:0000365.

Allele frequency attached by ClinVar (database versions not stated): gnomAD exomes below 0.00001.
gnomAD v4.1: 1 of 1,614,100 alleles (0.000062%); highest among the groups gnomAD compares: Non-Finnish European, 0.000085%; no homozygotes.

Submission:

Department of Otolaryngology – Head & Neck Surgery, Cochlear Implant Center
Classification: Uncertain significance for Hearing impairment. Last evaluated: 2021-04-12. Review status: criteria provided, single submitter. Criteria: ClinGen HL ACMG Specifications v1. Collection method: clinical testing. Allele origin: germline. Affected: yes.
Comment: PM2_Moderate, PP3_Supporting

NM_001128840.3(CACNA1D):c.3614C>T (p.Ser1205Leu)

Gene: CACNA1D (calcium voltage-gated channel subunit alpha1 D; plus strand). Cytogenetic location: 3p21.1.
Variant type: single nucleotide variant.
Coding change: c.3614C>T on transcript NM_001128840.3 (MANE Select); coding-DNA position 3614, C replaced by T.
Protein change: p.Ser1205Leu; replaces serine 1205 with leucine.
Molecular consequence: missense variant.
Genome position (GRCh38, 1-based): chr3:53,751,846, C>T. VCF-style: chr3-53751846-C-T. GRCh37 (hg19) VCF-style: chr3-53785873-C-T.
Other names: c.3674C>T, p.Ser1225Leu (NM_000720.4); c.3614C>T, p.Ser1205Leu (NM_001128839.3); short protein forms S1205L, S1225L.
Identifiers: ClinVar variation 1065080 (VCV001065080.3), dbSNP rs1183389331, ClinGen allele CA353250752.